The following is an entry in ClinVar:

ClinVar aggregate classification (germline): Uncertain significance (1 of 4 stars; one submission).

Submission:

GeneDx
Classification: Uncertain significance. Last evaluated: 2023-10-13. Review status: criteria provided, single submitter. Criteria: GeneDx Variant Classification Process June 2021. Collection method: clinical testing. Allele origin: germline. Affected: yes.
Comment: Not observed at significant frequency in large population cohorts (gnomAD); In silico analysis supports that this missense variant has a deleterious effect on protein structure/function; In silico analysis is inconclusive as to whether the variant alters gene splicing. In the absence of RNA/functional studies, the actual effect of this sequence change is unknown.; Has not been previously published as pathogenic or benign to our knowledge

NM_017617.5(NOTCH1):c.1660T>C (p.Cys554Arg)

Gene: NOTCH1 (notch receptor 1; minus strand). Cytogenetic location: 9q34.3.
Variant type: single nucleotide variant.
Coding change: c.1660T>C on transcript NM_017617.5 (MANE Select); coding-DNA position 1660, T replaced by C.
Protein change: p.Cys554Arg; replaces cysteine 554 with arginine.
Molecular consequence: missense variant.
Genome position (GRCh38, 1-based): chr9:136,515,990, A>G on the plus strand (T>C on the coding strand, the complement: NOTCH1 is on the minus strand). VCF-style: chr9-136515990-A-G. GRCh37 (hg19) VCF-style: chr9-139410442-A-G.
Other names: short protein forms C554R.
Identifiers: ClinVar variation 3366114 (VCV003366114.1).